The following is an entry in ClinVar:

NM_001165963.4(SCN1A):c.3920C>G (p.Ser1307Ter)

Genes: SCN1A (sodium voltage-gated channel alpha subunit 1; minus strand), LOC102724058 (uncharacterized LOC102724058; plus strand). Cytogenetic location: 2q24.3.
Variant type: single nucleotide variant.
Coding change: c.3920C>G on transcript NM_001165963.4 (MANE Select); coding-DNA position 3920, C replaced by G.
Protein change: p.Ser1307Ter; replaces serine 1307 with a stop codon.
Molecular consequence: nonsense. On other transcripts: non-coding transcript variant (1).
Genome position (GRCh38, 1-based): chr2:166,009,801, G>C on the plus strand (C>G on the coding strand, the complement: SCN1A is on the minus strand). VCF-style: chr2-166009801-G-C. GRCh37 (hg19) VCF-style: chr2-166866311-G-C.
Other names: c.3836C>G, p.Ser1279Ter (NM_001165964.3, NM_001353957.2, NM_001353958.2); c.3920C>G, p.Ser1307Ter (NM_001202435.3, NM_001353948.2); c.3887C>G, p.Ser1296Ter (NM_001353949.2, NM_001353950.2, NM_001353951.2 and 2 more transcripts); c.3884C>G, p.Ser1295Ter (NM_001353954.2, NM_001353955.2); c.3833C>G, p.Ser1278Ter (NM_001353960.2); c.1478C>G, p.Ser493Ter (NM_001353961.2); short protein forms S1307*, S1278*, S1296*, S493*, S1279*, S1295*.
Identifiers: ClinVar variation 2012282 (VCV002012282.4), dbSNP rs2468494342, ClinGen allele CA349053302.
Genomic context (GRCh38, chr2:166,009,801, plus strand): 5'-AAGGCTCTTAGAGGTCTCAGAGCTCTTAGTGTCCTGAGAGATTTGATGGCTCCAAGTTCT[G>C]AGTAACCCAAGGCATTTGCTGTTAAACTGACCAATGAAACCTGCACACACAAAAATAATA-3'

ClinVar aggregate classification (germline): Pathogenic (1 of 4 stars; one submission).

Conditions:
Early-infantile DEE. Also called: Early infantile epileptic encephalopathy; Ohtahara syndrome; Early infantile epileptic encephalopathy with suppression bursts. Identifiers: Orphanet 1934, MedGen C0393706, MONDO:0800491.

Submission:

Labcorp Genetics (formerly Invitae), Labcorp
Classification: Pathogenic for Early-infantile DEE. Last evaluated: 2022-06-29. Review status: criteria provided, single submitter. Criteria: Invitae Variant Classification Sherloc (09022015). Collection method: clinical testing. Allele origin: germline.
Comment: For these reasons, this variant has been classified as Pathogenic. This variant has not been reported in the literature in individuals affected with SCN1A-related conditions. This variant is not present in population databases (gnomAD no frequency). This sequence change creates a premature translational stop signal (p.Ser1307*) in the SCN1A gene. It is expected to result in an absent or disrupted protein product. Loss-of-function variants in SCN1A are known to be pathogenic (PMID: 17347258, 18930999).

Literature cited by the submitters: PubMed 17347258; PubMed 18930999.